The following is an entry in ClinVar:

NM_004187.5(KDM5C):c.2167G>T (p.Asp723Tyr)

Gene: KDM5C (lysine demethylase 5C; minus strand). Cytogenetic location: Xp11.22.
Variant type: single nucleotide variant.
Coding change: c.2167G>T on transcript NM_004187.5 (MANE Select); coding-DNA position 2167, G replaced by T.
Protein change: p.Asp723Tyr; replaces aspartic acid 723 with tyrosine.
Molecular consequence: missense variant. On other transcripts: non-coding transcript variant (3).
Genome position (GRCh38, 1-based): chrX:53,199,053, C>A on the plus strand (G>T on the coding strand, the complement: KDM5C is on the minus strand). VCF-style: chrX-53199053-C-A. GRCh37 (hg19) VCF-style: chrX-53228235-C-A.
Other names: c.1966G>T, p.Asp656Tyr (NM_001146702.2); c.2164G>T, p.Asp722Tyr (NM_001282622.3, NM_001353979.2, NM_001353982.2); c.2167G>T, p.Asp723Tyr (NM_001353978.3, NM_001353981.2, NM_001353984.2); short protein forms D656Y, D722Y, D723Y.
Identifiers: ClinVar variation 2660593 (VCV002660593.24), dbSNP rs781895754, ClinGen allele CA413120126.

ClinVar aggregate classification (germline): Uncertain significance (1 of 4 stars; one submission).

Submission:

CeGaT Center for Human Genetics Tuebingen
Classification: Uncertain significance. Last evaluated: 2022-06-01. Review status: criteria provided, single submitter. Criteria: CeGaT Center For Human Genetics Tuebingen Variant Classification Criteria Version 2. Collection method: clinical testing. Allele origin: germline. Affected: yes. Observed: 1 variant allele.
Comment: KDM5C: PM2, PP2, PP3